The following is an entry in ClinVar:

NM_001048174.2(MUTYH):c.566G>T (p.Arg189Leu)

Gene: MUTYH (mutY DNA glycosylase; minus strand). Cytogenetic location: 1p34.1.
Variant type: single nucleotide variant.
Coding change: c.566G>T on transcript NM_001048174.2 (MANE Select); coding-DNA position 566, G replaced by T.
Protein change: p.Arg189Leu; replaces arginine 189 with leucine.
Molecular consequence: missense variant. On other transcripts: non-coding transcript variant (2).
Genome position (GRCh38, 1-based): chr1:45,332,614, C>A on the plus strand (G>T on the coding strand, the complement: MUTYH is on the minus strand). VCF-style: chr1-45332614-C-A. GRCh37 (hg19) VCF-style: chr1-45798286-C-A.
Other names: c.566G>T, p.Arg189Leu (NM_001048171.2, NM_001048173.2, NM_001293195.2); c.569G>T, p.Arg190Leu (NM_001048172.2); c.650G>T, p.Arg217Leu (NM_001128425.2); c.611G>T, p.Arg204Leu (NM_001293190.2); c.599G>T, p.Arg200Leu (NM_001293191.2); c.290G>T, p.Arg97Leu (NM_001293192.2, NM_001293196.2); c.221G>T, p.Arg74Leu (NM_001350650.2, NM_001350651.2); c.641G>T, p.Arg214Leu (NM_012222.3); short protein forms R189L, R190L, R200L, R204L, R214L, R217L, R74L, R97L.
Identifiers: ClinVar variation 1312565 (VCV001312565.2), dbSNP rs147754007, ClinGen allele CA340135330.

ClinVar aggregate classification (germline): Uncertain significance (1 of 4 stars; one submission).

Submission:

GeneDx
Classification: Uncertain significance. Last evaluated: 2020-03-03. Review status: criteria provided, single submitter. Criteria: GeneDx Variant Classification Process June 2021. Collection method: clinical testing. Allele origin: germline. Affected: yes.
Comment: Not observed in large population cohorts (Lek et al., 2016); In silico analysis supports that this missense variant has a deleterious effect on protein structure/function; Has not been previously published as pathogenic or benign to our knowledge